The following is an entry in ClinVar:

NM_001170629.2(CHD8):c.7626G>T (p.Glu2542Asp)

Gene: CHD8 (chromodomain helicase DNA binding protein 8; minus strand). Cytogenetic location: 14q11.2.
Variant type: single nucleotide variant.
Coding change: c.7626G>T on transcript NM_001170629.2 (MANE Select); coding-DNA position 7626, G replaced by T.
Protein change: p.Glu2542Asp; replaces glutamic acid 2542 with aspartic acid.
Molecular consequence: missense variant.
Genome position (GRCh38, 1-based): chr14:21,385,733, C>A on the plus strand (G>T on the coding strand, the complement: CHD8 is on the minus strand). VCF-style: chr14-21385733-C-A. GRCh37 (hg19) VCF-style: chr14-21853892-C-A.
Other names: c.6789G>T, p.Glu2263Asp (NM_020920.4); short protein forms E2263D, E2542D.
Identifiers: ClinVar variation 3339822 (VCV003339822.2).

ClinVar aggregate classification (germline): Uncertain significance (1 of 4 stars; one submission).

gnomAD v4.1: 1 of 1,551,596 alleles (0.000064%); no homozygotes.

Submission:

Women's Health and Genetics/Laboratory Corporation of America, LabCorp
Classification: Uncertain significance. Last evaluated: 2025-02-20. Review status: criteria provided, single submitter. Criteria: LabCorp Variant Classification Summary - May 2015. Collection method: clinical testing. Allele origin: germline.
Comment: Variant summary: CHD8 c.7626G>T (p.Glu2542Asp) results in a conservative amino acid change in the encoded protein sequence. Four of five in-silico tools predict a benign effect of the variant on protein function. The frequency data for this variant in gnomAD is considered unreliable, as metrics indicate poor data quality at this position. To our knowledge, no occurrence of c.7626G>T in individuals affected with CHD8-Related Disorders and no experimental evidence demonstrating its impact on protein function have been reported. ClinVar contains an entry for this variant (Variation ID: 3339822). Based on the evidence outlined above, the variant was classified as uncertain significance.